The following is an entry in ClinVar:

ClinVar aggregate classification (germline): Uncertain significance. Review status: criteria provided, multiple submitters, no conflicts (2 of 4 stars). 4 submissions from 4 submitters: Uncertain significance (4). Last evaluated 2025-11-23.

Conditions:
LRSAM1-related disorder. Also called: LRSAM1-related condition.
Charcot-Marie-Tooth disease axonal type 2P. Also called: CHARCOT-MARIE-TOOTH NEUROPATHY, TYPE 2P; Charcot-Marie-Tooth Neuropathy Type 2G; CHARCOT-MARIE-TOOTH DISEASE, AXONAL, TYPE 2G; CMT 2G. Identifiers: Orphanet 300319, Orphanet 99941, MedGen C3280797, MONDO:0013753, OMIM 614436.
Inborn genetic diseases. Identifiers: MedGen C0950123, MeSH D030342.

Allele frequency attached by ClinVar (database versions not stated): ExAC 0.00002; gnomAD exomes 0.00004 and 0.00005; gnomAD 0.00006 and 0.00008; TOPMed 0.00011.
gnomAD v4.1: 63 of 1,613,980 alleles (0.0039%); highest among the groups gnomAD compares: Admixed American, 0.017%; no homozygotes.

Submissions (4):

Labcorp Genetics (formerly Invitae), Labcorp
Classification: Uncertain significance for Charcot-Marie-Tooth disease axonal type 2P. Last evaluated: 2025-11-23. Review status: criteria provided, single submitter. Criteria: Invitae Variant Classification Sherloc (09022015). Collection method: clinical testing. Allele origin: germline.
Comment: This sequence change replaces threonine, which is neutral and polar, with methionine, which is neutral and non-polar, at codon 650 of the LRSAM1 protein (p.Thr650Met). This variant is present in population databases (rs773505699, gnomAD 0.01%). This variant has not been reported in the literature in individuals affected with LRSAM1-related conditions. ClinVar contains an entry for this variant (Variation ID: 835380). Invitae Evidence Modeling of protein sequence and biophysical properties (such as structural, functional, and spatial information, amino acid conservation, physicochemical variation, residue mobility, and thermodynamic stability) indicates that this missense variant is not expected to disrupt LRSAM1 protein function with a negative predictive value of 80%. In summary, the available evidence is currently insufficient to determine the role of this variant in disease. Therefore, it has been classified as a Variant of Uncertain Significance.

PreventionGenetics, part of Exact Sciences
Classification: Uncertain significance for LRSAM1-related condition. Last evaluated: 2025-09-16. Review status: criteria provided, single submitter. Criteria: ACMG Guidelines, 2015. Collection method: clinical testing. Allele origin: germline.
Comment: The LRSAM1 c.1949C>T variant is predicted to result in the amino acid substitution p.Thr650Met. To our knowledge, this variant has not been reported in the literature. This variant is reported in 0.017% of alleles in individuals of Latino descent in gnomAD. At this time, the clinical significance of this variant is uncertain due to the absence of conclusive functional and genetic evidence.

Ambry Genetics
Classification: Uncertain significance for Inborn genetic diseases. Last evaluated: 2025-08-28. Review status: criteria provided, single submitter. Criteria: Ambry Variant Classification Scheme 2023. Collection method: clinical testing. Allele origin: germline.

Mayo Clinic Laboratories, Mayo Clinic
Classification: Uncertain significance. Last evaluated: 2019-05-19. Review status: criteria provided, single submitter. Criteria: ACMG Guidelines, 2015. Collection method: clinical testing. Allele origin: germline. Observed: 1 variant allele.

NM_001005373.4(LRSAM1):c.1949C>T (p.Thr650Met)

Gene: LRSAM1 (leucine rich repeat and sterile alpha motif containing 1; plus strand). Cytogenetic location: 9q34.11.
Variant type: single nucleotide variant.
Coding change: c.1949C>T on transcript NM_001005373.4 (MANE Select); coding-DNA position 1949, C replaced by T.
Protein change: p.Thr650Met; replaces threonine 650 with methionine.
Molecular consequence: missense variant. On other transcripts: non-coding transcript variant (2).
Genome position (GRCh38, 1-based): chr9:127,501,046, C>T. VCF-style: chr9-127501046-C-T. GRCh37 (hg19) VCF-style: chr9-130263325-C-T.
Other names: c.1949C>T (NM_138361.4); c.1949C>T, p.Thr650Met (NM_001005374.4, NM_001384142.1, NM_138361.5); c.1868C>T, p.Thr623Met (NM_001190723.3); c.1850C>T, p.Thr617Met (NM_001384143.1); c.1160C>T, p.Thr387Met (NM_001384144.1); short protein forms T623M, T650M, T387M, T617M.
Identifiers: ClinVar variation 835380 (VCV000835380.16), dbSNP rs773505699, ClinGen allele CA5247208.
Genomic context (GRCh38, chr9:127,501,046, plus strand): 5'-AGTCTGTCTGTCTGGTCCCCACAGAGCTGAAACCACCAATGGGTGAGGTCGTCACCCCTA[C>T]GGCCCCCCAGGAGCCTCCTGAGTCTGTGAGGCCATCCGCTCCCCCTGCAGAGCTGGAGGT-3'
Protein context (NP_001005373.1, residues 640-660): KPPMGEVVTP[Thr650Met]APQEPPESVR